The following is an entry in ClinVar:

ClinVar aggregate classification (germline): Uncertain significance (1 of 4 stars; one submission).

Conditions:
Inborn genetic diseases. Identifiers: MedGen C0950123, MeSH D030342.

Submission:

Ambry Genetics
Classification: Uncertain significance for Inborn genetic diseases. Last evaluated: 2025-03-31. Review status: criteria provided, single submitter. Criteria: Ambry Variant Classification Scheme 2023. Collection method: clinical testing. Allele origin: germline.
Comment: The p.L761F variant (also known as c.2281C>T), located in coding exon 13 of the FANCM gene, results from a C to T substitution at nucleotide position 2281. The leucine at codon 761 is replaced by phenylalanine, an amino acid with highly similar properties. This amino acid position is conserved. In addition, this alteration is predicted to be tolerated by in silico analysis. Based on the available evidence, the clinical significance of this variant remains unclear.

NM_020937.4(FANCM):c.2281C>T (p.Leu761Phe)

Gene: FANCM (FA complementation group M; plus strand). Cytogenetic location: 14q21.2.
Variant type: single nucleotide variant.
Coding change: c.2281C>T on transcript NM_020937.4 (MANE Select); coding-DNA position 2281, C replaced by T.
Protein change: p.Leu761Phe; replaces leucine 761 with phenylalanine.
Molecular consequence: missense variant.
Genome position (GRCh38, 1-based): chr14:45,173,175, C>T. VCF-style: chr14-45173175-C-T. GRCh37 (hg19) VCF-style: chr14-45642378-C-T.
Other names: c.2203C>T, p.Leu735Phe (NM_001308133.2); short protein forms L735F, L761F.
Identifiers: ClinVar variation 4022639 (VCV004022639.1).